The following is an entry in ClinVar:

NM_000069.3(CACNA1S):c.4250T>C (p.Ile1417Thr)

Gene: CACNA1S (calcium voltage-gated channel subunit alpha1 S; minus strand). Cytogenetic location: 1q32.1.
Variant type: single nucleotide variant.
Coding change: c.4250T>C on transcript NM_000069.3 (MANE Select); coding-DNA position 4250, T replaced by C.
Protein change: p.Ile1417Thr; replaces isoleucine 1417 with threonine.
Molecular consequence: missense variant.
Genome position (GRCh38, 1-based): chr1:201,049,091, A>G on the plus strand (T>C on the coding strand, the complement: CACNA1S is on the minus strand). VCF-style: chr1-201049091-A-G. GRCh37 (hg19) VCF-style: chr1-201018219-A-G.
Other names: short protein forms I1417T.
Identifiers: ClinVar variation 1370523 (VCV001370523.6), dbSNP rs372383822, ClinGen allele CA344146562.
Genomic context (GRCh38, chr1:201,049,091, plus strand): 5'-TTCCCAAAGCCCAGAGGGGGCTGAATCCTTCTCAGCAGGGTCACCACGTCCAGGTGTTTG[A>G]TTCTCCCCCTGCGGGAGGACACACAGACTTGTGTACCTGCTACCCTCCTCCGCTGCCAGA-3'
Protein context (NP_000060.2, residues 1407-1427): AEYDPEAKGR[Ile1417Thr]KHLDVVTLLR

ClinVar aggregate classification (germline): Uncertain significance (1 of 4 stars; one submission).

Conditions:
Malignant hyperthermia, susceptibility to, 5 (MHS5). Also called: CACNA1S-Related Malignant Hyperthermia Susceptibility. Identifiers: Orphanet 423, MedGen C1866077, MONDO:0011163, OMIM 601887.
Hypokalemic periodic paralysis, type 1. Also called: HypoPP; Hypokalemic Periodic Paralysis Type 1 (AD). Identifiers: Orphanet 681, MedGen C3714580, MONDO:0042979, OMIM 170400.

Submission:

Labcorp Genetics (formerly Invitae), Labcorp
Classification: Uncertain significance for Hypokalemic periodic paralysis, type 1; Malignant hyperthermia, susceptibility to, 5. Last evaluated: 2021-09-04. Review status: criteria provided, single submitter. Criteria: Invitae Variant Classification Sherloc (09022015). Collection method: clinical testing. Allele origin: germline.
Comment: Advanced modeling of protein sequence and biophysical properties (such as structural, functional, and spatial information, amino acid conservation, physicochemical variation, residue mobility, and thermodynamic stability) performed at Invitae indicates that this missense variant is not expected to disrupt CACNA1S protein function. In summary, the available evidence is currently insufficient to determine the role of this variant in disease. Therefore, it has been classified as a Variant of Uncertain Significance. This variant has not been reported in the literature in individuals affected with CACNA1S-related conditions. This variant is not present in population databases (ExAC no frequency). This sequence change replaces isoleucine with threonine at codon 1417 of the CACNA1S protein (p.Ile1417Thr). The isoleucine residue is highly conserved and there is a moderate physicochemical difference between isoleucine and threonine.